The following is an entry in ClinVar:

ClinVar aggregate classification (germline): Uncertain significance (1 of 4 stars; one submission).

Submission:

CeGaT Center for Human Genetics Tuebingen
Classification: Uncertain significance. Last evaluated: 2025-10-01. Review status: criteria provided, single submitter. Criteria: CeGaT Center For Human Genetics Tuebingen Variant Classification Criteria Version 2. Collection method: clinical testing. Allele origin: germline. Affected: yes. Observed: 1 variant allele.
Comment: SYNE1: PM2, BP4

NM_182961.4(SYNE1):c.20332A>G (p.Ser6778Gly)

Gene: SYNE1 (spectrin repeat containing nuclear envelope protein 1; minus strand). Cytogenetic location: 6q25.2.
Variant type: single nucleotide variant.
Coding change: c.20332A>G on transcript NM_182961.4 (MANE Select); coding-DNA position 20332, A replaced by G.
Protein change: p.Ser6778Gly; replaces serine 6778 with glycine.
Molecular consequence: missense variant.
Genome position (GRCh38, 1-based): chr6:152,236,171, T>C on the plus strand (A>G on the coding strand, the complement: SYNE1 is on the minus strand). VCF-style: chr6-152236171-T-C. GRCh37 (hg19) VCF-style: chr6-152557306-T-C.
Other names: c.20119A>G, p.Ser6707Gly (NM_033071.5); short protein forms S6707G, S6778G.
Identifiers: ClinVar variation 4534423 (VCV004534423.6).
Genomic context (GRCh38, chr6:152,236,171, plus strand): 5'-TCCAGTGTTTCAATATTGTTTCCAGTCTGTGAAGTTCCTTAGACATTTTATTGGTGTTAC[T>C]TAGCCAGCACTCTCCAAGTTGATTTAGTTGGCTTTCTAGATCTGAGCAGCTGATGGATAT-3'
Protein context (NP_892006.3, residues 6768-6788): QLNQLGECWL[Ser6778Gly]NTNKMSKELH